The following is an entry in ClinVar:

NM_000138.5(FBN1):c.7330+1G>A

Gene: FBN1 (fibrillin 1; minus strand). Cytogenetic location: 15q21.1.
Variant type: single nucleotide variant.
Coding change: c.7330+1G>A on transcript NM_000138.5 (MANE Select); the canonical splice donor site of the intron after coding-DNA position 7330, G replaced by A.
Molecular consequence: splice donor variant.
Genome position (GRCh38, 1-based): chr15:48,425,738, C>T on the plus strand (G>A on the coding strand, the complement: FBN1 is on the minus strand). VCF-style: chr15-48425738-C-T. GRCh37 (hg19) VCF-style: chr15-48717935-C-T.
Other names: c.7330+1G>A (NM_001406716.1).
Identifiers: ClinVar variation 519742 (VCV000519742.6), dbSNP rs1555394433, ClinGen allele CA392328478.

ClinVar aggregate classification (germline): Pathogenic. Review status: criteria provided, multiple submitters, no conflicts (2 of 4 stars). 2 submissions from 2 submitters: Pathogenic (2). Last evaluated 2021-10-17.

Conditions:
Marfan Syndrome/Loeys-Dietz Syndrome/Familial Thoracic Aortic Aneurysms and Dissections. Identifiers: MedGen CN229799.
Familial thoracic aortic aneurysm and aortic dissection (TAAD). Also called: Thoracic aortic aneurysms and dissections. Identifiers: Orphanet 91387, MedGen C4707243, MONDO:0019625.

Submissions (2):

Women's Health and Genetics/Laboratory Corporation of America, LabCorp
Classification: Pathogenic for Marfan Syndrome/Loeys-Dietz Syndrome/Familial Thoracic Aortic Aneurysms and Dissections. Last evaluated: 2021-10-17. Review status: criteria provided, single submitter. Criteria: LabCorp Variant Classification Summary - May 2015. Collection method: clinical testing. Allele origin: germline.
Comment: Variant summary: FBN1 c.7330+1G>A is located in a canonical splice-site and is predicted to affect mRNA splicing resulting in a significantly altered protein due to either exon skipping, shortening, or inclusion of intronic material. Several computational tools predict a significant impact on normal splicing: Four predict the variant abolishes the canonical 5' splicing donor site. However, these predictions have yet to be confirmed by functional studies. Splice site mutations affecting canonical splice sequence or shown to alter splicing on mRNA/cDNA level are listed among criteria supporting a diagnosis of Marfan syndrome within the Ghent nosology (Loeys_2010). The variant was absent in 251120 control chromosomes. c.7330+1G>A has been reported in the literature in individuals affected with Marfan Syndrome (example, Attanasio_2008, Stheneur_2009). To our knowledge, no experimental evidence demonstrating an impact on protein function has been reported. One clinical diagnostic laboratory has submitted clinical-significance assessments for this variant to ClinVar after 2014 without evidence for independent evaluation and classified the variant as pathogenic. Based on the evidence outlined above, the variant was classified as pathogenic.

Ambry Genetics
Classification: Pathogenic for Familial thoracic aortic aneurysm and aortic dissection. Last evaluated: 2016-10-13. Review status: criteria provided, single submitter. Criteria: Ambry Variant Classification Scheme 2023. Collection method: clinical testing. Allele origin: germline.
Comment: The c.7330+1G>A intronic pathogenic mutation results from a G to A substitution one nucleotide downstream of coding exon 58 of the FBN1 gene. This alteration has been detected in individuals with Marfan syndrome, and was reported to cause exon skipping by RNA studies (Attanasio M et al. Clin. Genet., 2008 Jul;74:39-46; Stheneur C et al. Eur. J. Hum. Genet., 2009 Sep;17:1121-8). In addition to the clinical data presented in the literature, alterations that disrupt the canonical splice site are expected to cause aberrant splicing, resulting in an abnormal protein or a transcript that is subject to nonsense-mediated mRNA decay. As such, this alteration is classified as a pathogenic mutation.

Literature cited by the submitters: PubMed 18435798 (cited by Women's Health and Genetics/Laboratory Corporation of America, LabCorp and Ambry Genetics); PubMed 19293843 (cited by Women's Health and Genetics/Laboratory Corporation of America, LabCorp and Ambry Genetics).